The following is an entry in ClinVar:

ClinVar aggregate classification (germline): Uncertain significance (1 of 4 stars; one submission).

Conditions:
Hereditary cancer-predisposing syndrome. Also called: Neoplastic Syndromes, Hereditary; Tumor predisposition; Hereditary Cancer Syndrome; Hereditary neoplastic syndrome. Identifiers: Orphanet 140162, MedGen C0027672, MeSH D009386, MONDO:0015356.

Submission:

Color Diagnostics, LLC DBA Color Health
Classification: Uncertain significance for Hereditary cancer-predisposing syndrome. Last evaluated: 2024-04-07. Review status: criteria provided, single submitter. Criteria: ACMG Guidelines, 2015. Collection method: clinical testing. Allele origin: germline.
Comment: This missense variant replaces valine with leucine at codon 1255 of the BRCA2 protein. Computational prediction suggests that this variant may not impact protein structure and function (internally defined REVEL score threshold <= 0.5, PMID: 27666373). To our knowledge, functional studies have not been reported for this variant. This variant has not been reported in individuals affected with BRCA2-related disorders in the literature. This variant has not been identified in the general population by the Genome Aggregation Database (gnomAD). The available evidence is insufficient to determine the role of this variant in disease conclusively. Therefore, this variant is classified as a Variant of Uncertain Significance.

NM_000059.4(BRCA2):c.3763G>C (p.Val1255Leu)

Gene: BRCA2 (BRCA2 DNA repair associated; plus strand). Cytogenetic location: 13q13.1.
Variant type: single nucleotide variant.
Coding change: c.3763G>C on transcript NM_000059.4 (MANE Select); coding-DNA position 3763, G replaced by C.
Protein change: p.Val1255Leu; replaces valine 1255 with leucine.
Molecular consequence: missense variant. On other transcripts: non-coding transcript variant (1), intron variant (2).
Genome position (GRCh38, 1-based): chr13:32,338,118, G>C. VCF-style: chr13-32338118-G-C. GRCh37 (hg19) VCF-style: chr13-32912255-G-C.
Other names: c.3763G>C, p.Val1255Leu (NM_001406719.1, NM_001406720.1, NM_001432077.1); c.1909+4731G>C (NM_001406721.1); c.425-6440G>C (NM_001406722.1); short protein forms V1255L.
Identifiers: ClinVar variation 3893761 (VCV003893761.1).